The following is an entry in ClinVar:

ClinVar aggregate classification (germline): Uncertain significance (1 of 4 stars; one submission).

gnomAD v4.1: 1 of 1,612,930 alleles (0.000062%); highest among the groups gnomAD compares: Non-Finnish European, 0.000085%; no homozygotes.

Submission:

GeneDx
Classification: Uncertain significance. Last evaluated: 2026-03-18. Review status: criteria provided, single submitter. Criteria: GeneDx Variant Classification Process June 2021. Collection method: clinical testing. Allele origin: germline.
Comment: Not observed at significant frequency in large population cohorts (gnomAD); In silico analysis supports that this missense variant has a deleterious effect on protein structure/function; Has not been previously published as pathogenic or benign to our knowledge

NM_000748.3(CHRNB2):c.303C>G (p.Asn101Lys)

Gene: CHRNB2 (cholinergic receptor nicotinic beta 2 subunit; plus strand). Cytogenetic location: 1q21.3.
Variant type: single nucleotide variant.
Coding change: c.303C>G on transcript NM_000748.3 (MANE Select); coding-DNA position 303, C replaced by G.
Protein change: p.Asn101Lys; replaces asparagine 101 with lysine.
Molecular consequence: missense variant.
Genome position (GRCh38, 1-based): chr1:154,570,305, C>G. VCF-style: chr1-154570305-C-G. GRCh37 (hg19) VCF-style: chr1-154542781-C-G.
Other names: short protein forms N101K.
Identifiers: ClinVar variation 5009111 (VCV005009111.1).